The following is an entry in ClinVar:

ClinVar aggregate classification (germline): Uncertain significance. Review status: criteria provided, multiple submitters, no conflicts (2 of 4 stars). 2 submissions from 2 submitters: Uncertain significance (2). Last evaluated 2024-10-24.

Conditions:
Hereditary cancer-predisposing syndrome. Also called: Neoplastic Syndromes, Hereditary; Hereditary Cancer Syndrome; Tumor predisposition; Hereditary neoplastic syndrome. Identifiers: Orphanet 140162, MedGen C0027672, MeSH D009386, MONDO:0015356.
Ataxia-telangiectasia syndrome (AT). Also called: LOUIS-BAR SYNDROME; Cerebello-oculocutaneous telangiectasia; Immunodeficiency with ataxia telangiectasia; Ataxia-telangiectasia, complementation group D; AT, COMPLEMENTATION GROUP C; Ataxia-telangiectasia, complementation group E. Identifiers: Orphanet 100, MedGen C0004135, MONDO:0008840, OMIM 208900.

Submissions (2):

Ambry Genetics
Classification: Uncertain significance for Hereditary cancer-predisposing syndrome. Last evaluated: 2024-10-24. Review status: criteria provided, single submitter. Criteria: Ambry Variant Classification Scheme 2023. Collection method: clinical testing. Allele origin: germline.
Comment: The p.P2222H variant (also known as c.6665C>A), located in coding exon 45 of the ATM gene, results from a C to A substitution at nucleotide position 6665. The proline at codon 2222 is replaced by histidine, an amino acid with similar properties. This amino acid position is highly conserved in available vertebrate species. In addition, this alteration is predicted to be deleterious by in silico analysis. Since supporting evidence is limited at this time, the clinical significance of this alteration remains unclear.

Labcorp Genetics (formerly Invitae), Labcorp
Classification: Uncertain significance for Ataxia-telangiectasia syndrome. Last evaluated: 2022-05-27. Review status: criteria provided, single submitter. Criteria: Invitae Variant Classification Sherloc (09022015). Collection method: clinical testing. Allele origin: germline.
Comment: This sequence change replaces proline, which is neutral and non-polar, with histidine, which is basic and polar, at codon 2222 of the ATM protein (p.Pro2222His). This variant is not present in population databases (gnomAD no frequency). This variant has not been reported in the literature in individuals affected with ATM-related conditions. ClinVar contains an entry for this variant (Variation ID: 481331). Advanced modeling of protein sequence and biophysical properties (such as structural, functional, and spatial information, amino acid conservation, physicochemical variation, residue mobility, and thermodynamic stability) performed at Invitae indicates that this missense variant is not expected to disrupt ATM protein function. In summary, the available evidence is currently insufficient to determine the role of this variant in disease. Therefore, it has been classified as a Variant of Uncertain Significance.

NM_000051.4(ATM):c.6665C>A (p.Pro2222His)

Genes: ATM (ATM serine/threonine kinase; plus strand), C11orf65 (chromosome 11 open reading frame 65; minus strand). Cytogenetic location: 11q22.3.
Variant type: single nucleotide variant.
Coding change: c.6665C>A on transcript NM_000051.4 (MANE Select); coding-DNA position 6665, C replaced by A.
Protein change: p.Pro2222His; replaces proline 2222 with histidine.
Molecular consequence: missense variant. On other transcripts: intron variant (2).
Genome position (GRCh38, 1-based): chr11:108,325,402, C>A. VCF-style: chr11-108325402-C-A. GRCh37 (hg19) VCF-style: chr11-108196129-C-A.
Other names: c.6665C>A, p.Pro2222His (NM_001351834.2); c.641-16331G>T (NM_001330368.2); c.*38+9818G>T (NM_001351110.2); short protein forms P2222H.
Identifiers: ClinVar variation 481331 (VCV000481331.13), dbSNP rs997021874, ClinGen allele CA382554855.